The following is an entry in ClinVar:

ClinVar aggregate classification (germline): Pathogenic. Review status: reviewed by expert panel (3 of 4 stars). 3 submissions from 3 submitters: Pathogenic (1). 2 of the submissions do not count toward it. Last evaluated 2016-10-18.

Conditions:
Breast-ovarian cancer, familial, susceptibility to, 1 (BROVCA1). Also called: BRCA1 Hereditary Breast and Ovarian Cancer; OVARIAN CANCER, SUSCEPTIBILITY TO. Identifiers: Orphanet 145, MedGen C2676676, MONDO:0011450, OMIM 604370. Disease mechanism: loss of function.

Submissions (3):

Evidence-based Network for the Interpretation of Germline Mutant Alleles (ENIGMA)
Classification: Pathogenic for Breast-ovarian cancer, familial, susceptibility to, 1. Last evaluated: 2016-10-18. Review status: reviewed by expert panel. Criteria: ENIGMA BRCA1/2 Classification Criteria (2015). Collection method: curation. Allele origin: germline.
Comment: Variant allele predicted to encode a truncated non-functional protein.

Consortium of Investigators of Modifiers of BRCA1/2 (CIMBA), c/o University of Cambridge
Classification: Pathogenic for Breast-ovarian cancer, familial, susceptibility to, 1. Last evaluated: 2015-10-02. Review status: criteria provided, single submitter. Criteria: CIMBA Mutation Classification guidelines May 2016. Collection method: clinical testing. Allele origin: germline. Not counted in ClinVar's aggregate classification.

deCODE genetics, Amgen
Classification: Pathogenic for Breast-ovarian cancer, familial, susceptibility to, 1. Last evaluated: 2023-07-21. Review status: no assertion criteria provided. Collection method: research. Allele origin: germline. Affected: yes. Observed: 1 variant allele. Not counted in ClinVar's aggregate classification.
Comment: The variant NM_007294.4:c.3413dup (chr17:43092117) in BRCA1 was detected in 1 heterozygote out of 58K WGS Icelanders (MAF= 0,001%). This variant has been reported in ClinVar previously as pathogenic. Based on ACMG criteria (PVS1, PP5) this variant classifies as pathogenic.

NM_007294.4(BRCA1):c.3413dup (p.Ser1139fs)

Genes: BRCA1 (BRCA1 DNA repair associated; minus strand), LOC126862571 (BRD4-independent group 4 enhancer GRCh37_chr17:41243136-41244335; plus strand). Cytogenetic location: 17q21.31.
Variant type: Duplication.
Coding change: c.3413dup on transcript NM_007294.4 (MANE Select); coding-DNA position 3413, one base duplicated (G; older notation c.3413dupG).
Protein change: p.Ser1139fs; shifts the reading frame from serine 1139.
Molecular consequence: frameshift variant. On other transcripts: intron variant (135).
Genome position (GRCh38, 1-based): chr17:43,092,118, C duplicated on the plus strand (G on the coding strand, the reverse complement: BRCA1 is on the minus strand); the first of 3 consecutive C bases (chr17:43,092,118-43,092,120); duplicating any one gives the same sequence. VCF-style (leftmost placement, unchanged base first): chr17-43092117-T-TC. GRCh37 (hg19) VCF-style: chr17-41244134-T-TC.
Other names: 3532_3533insG; c.3413dup, p.Ser1139fs (NM_007294.3, NM_001407581.1, NM_001407582.1 and 31 more transcripts); c.779-1086dup (NM_001408408.1); c.662-1086dup (NM_001408446.1, NM_001408435.1, NM_001408448.1 and 6 more transcripts); c.785-1086dup (NM_001408401.1, NM_001408396.1, NM_001407985.1 and 13 more transcripts); c.548-1086dup (NM_001408494.1); c.665-1086dup (NM_001408444.1, NM_001408438.1, NM_001408430.1 and 12 more transcripts); c.671-1086dup (NM_001408423.1, NM_001408420.1, NM_001408419.1 and 2 more transcripts); and 42 more; short protein forms S1092fs, S1139fs, S1012fs, S1112fs, S971fs, S1011fs, S1027fs, S1068fs.
Identifiers: ClinVar variation 266368 (VCV000266368.22), dbSNP rs397509063, ClinGen allele CA10589754.